The following is an entry in ClinVar:

ClinVar aggregate classification (germline): Pathogenic/Likely pathogenic. Review status: criteria provided, multiple submitters, no conflicts (2 of 4 stars). 2 submissions from 2 submitters: Pathogenic (1); Likely pathogenic (1). Last evaluated 2022-09-06.

Submissions (2):

GeneDx
Classification: Pathogenic. Last evaluated: 2022-09-06. Review status: criteria provided, single submitter. Criteria: GeneDx Variant Classification Process June 2021. Collection method: clinical testing. Allele origin: germline. Affected: yes.
Comment: In silico analysis supports that this missense variant has a deleterious effect on protein structure/function; Has not been previously published as pathogenic or benign to our knowledge; Not observed at significant frequency in large population cohorts (gnomAD)

Center for Pediatric Genomic Medicine, Children's Mercy Hospital and Clinics
Classification: Likely pathogenic. Last evaluated: 2017-05-09. Review status: criteria provided, single submitter. Criteria: ACMG Guidelines, 2015. Collection method: clinical testing. Allele origin: de novo.

NM_000284.4(PDHA1):c.1100A>C (p.His367Pro)

Gene: PDHA1 (pyruvate dehydrogenase E1 subunit alpha 1; plus strand). Cytogenetic location: Xp22.12.
Variant type: single nucleotide variant.
Coding change: c.1100A>C on transcript NM_000284.4 (MANE Select); coding-DNA position 1100, A replaced by C.
Protein change: p.His367Pro; replaces histidine 367 with proline.
Molecular consequence: missense variant.
Genome position (GRCh38, 1-based): chrX:19,359,580, A>C. VCF-style: chrX-19359580-A-C. GRCh37 (hg19) VCF-style: chrX-19377698-A-C.
Other names: c.1214A>C, p.His405Pro (NM_001173454.2); c.1121A>C, p.His374Pro (NM_001173455.2); c.1007A>C, p.His336Pro (NM_001173456.2); short protein forms H367P, H374P, H405P, H336P.
Identifiers: ClinVar variation 429771 (VCV000429771.5), dbSNP rs1131691584, ClinGen allele CA412396862.